The following is an entry in ClinVar:

ClinVar aggregate classification (germline): Uncertain significance. Review status: criteria provided, multiple submitters, no conflicts (2 of 4 stars). 4 submissions from 4 submitters: Uncertain significance (4). Last evaluated 2026-03-04.

Conditions:
Episodic ataxia type 2 (EA2). Also called: ACETAZOLAMIDE-RESPONSIVE HEREDITARY PAROXYSMAL CEREBELLAR ATAXIA; ATAXIA, EPISODIC, WITH NYSTAGMUS; ATAXIA, FAMILIAL PAROXYSMAL; CEREBELLAR ATAXIA, PAROXYSMAL, ACETAZOLAMIDE-RESPONSIVE; CEREBELLOPATHY, HEREDITARY PAROXYSMAL; EPISODIC ATAXIA, NYSTAGMUS-ASSOCIATED. Identifiers: Orphanet 97, MedGen C1720416, MONDO:0007163, OMIM 108500.
Developmental and epileptic encephalopathy, 42 (DEE42A). Also called: DEVELOPMENTAL AND EPILEPTIC ENCEPHALOPATHY 42A; EPILEPTIC ENCEPHALOPATHY, EARLY INFANTILE, 42A; Epileptic encephalopathy, early infantile, 42. Identifiers: MedGen C4310716, MONDO:0014917, OMIM 617106.
Inborn genetic diseases. Identifiers: MedGen C0950123, MeSH D030342.

Submissions (4):

GeneDx
Classification: Uncertain significance. Last evaluated: 2026-03-04. Review status: criteria provided, single submitter. Criteria: GeneDx Variant Classification Process June 2021. Collection method: clinical testing. Allele origin: germline.
Comment: Not observed at significant frequency in large population cohorts (gnomAD); In silico analysis supports that this missense variant has a deleterious effect on protein structure/function; Has not been previously published as pathogenic or benign to our knowledge

Ambry Genetics
Classification: Uncertain significance for Inborn genetic diseases. Last evaluated: 2025-07-24. Review status: criteria provided, single submitter. Criteria: Ambry Variant Classification Scheme 2023. Collection method: clinical testing. Allele origin: germline.
Comment: The c.1059C>A (p.N353K) alteration is located in exon 7 (coding exon 7) of the CACNA1A gene. This alteration results from a C to A substitution at nucleotide position 1059, causing the asparagine (N) at amino acid position 353 to be replaced by a lysine (K). This variant was not reported in population-based cohorts in the Genome Aggregation Database (gnomAD). This amino acid position is highly conserved in available vertebrate species. This missense alteration is located in a region that has a low rate of benign missense variation (Lek, 2016; Firth, 2009). The in silico prediction for this alteration is inconclusive. Based on insufficient or conflicting evidence, the clinical significance of this alteration remains unclear.

Athena Diagnostics
Classification: Uncertain significance. Last evaluated: 2024-02-27. Review status: criteria provided, single submitter. Criteria: Athena Diagnostics Criteria. Collection method: clinical testing. Allele origin: unknown.
Comment: Available data are insufficient to determine the clinical significance of the variant at this time. This variant has been identified in at least one individual tested at Athena Diagnostics with clinical features associated with this gene. This variant has not been reported in large, multi-ethnic general populations. Computational tools predict that this variant is damaging. The variant is located in a region that is considered important for protein function and/or structure.

Labcorp Genetics (formerly Invitae), Labcorp
Classification: Uncertain significance for Developmental and epileptic encephalopathy, 42; Episodic ataxia type 2. Last evaluated: 2022-02-20. Review status: criteria provided, single submitter. Criteria: Invitae Variant Classification Sherloc (09022015). Collection method: clinical testing. Allele origin: germline.
Comment: This variant has not been reported in the literature in individuals affected with CACNA1A-related conditions. In summary, the available evidence is currently insufficient to determine the role of this variant in disease. Therefore, it has been classified as a Variant of Uncertain Significance. Advanced modeling of protein sequence and biophysical properties (such as structural, functional, and spatial information, amino acid conservation, physicochemical variation, residue mobility, and thermodynamic stability) performed at Invitae indicates that this missense variant is expected to disrupt CACNA1A protein function. ClinVar contains an entry for this variant (Variation ID: 590062). This variant is not present in population databases (gnomAD no frequency). This sequence change replaces asparagine, which is neutral and polar, with lysine, which is basic and polar, at codon 353 of the CACNA1A protein (p.Asn353Lys).

NM_001127222.2(CACNA1A):c.1059C>A (p.Asn353Lys)

Genes: CACNA1A (calcium voltage-gated channel subunit alpha1 A; minus strand), LOC126862866 (MED14-independent group 3 enhancer GRCh37_chr19:13445719-13446918; plus strand). Cytogenetic location: 19p13.13.
Variant type: single nucleotide variant.
Coding change: c.1059C>A on transcript NM_001127222.2 (MANE Select); coding-DNA position 1059, C replaced by A.
Protein change: p.Asn353Lys; replaces asparagine 353 with lysine.
Molecular consequence: missense variant.
Genome position (GRCh38, 1-based): chr19:13,335,829, G>T on the plus strand (C>A on the coding strand, the complement: CACNA1A is on the minus strand). VCF-style: chr19-13335829-G-T. GRCh37 (hg19) VCF-style: chr19-13446643-G-T.
Other names: c.1059C>A (NM_000068.2); c.1059C>A, p.Asn353Lys (NM_000068.4, NM_001127221.2, NM_001174080.2 and 1 more transcripts); short protein forms N353K.
Identifiers: ClinVar variation 590062 (VCV000590062.17), dbSNP rs1568546593, ClinGen allele CA404346705.